The following is an entry in ClinVar:

NM_001040108.2(MLH3):c.2997C>G (p.Asp999Glu)

Gene: MLH3 (mutL homolog 3; minus strand). Cytogenetic location: 14q24.3.
Variant type: single nucleotide variant.
Coding change: c.2997C>G on transcript NM_001040108.2 (MANE Select); coding-DNA position 2997, C replaced by G.
Protein change: p.Asp999Glu; replaces aspartic acid 999 with glutamic acid.
Molecular consequence: missense variant.
Genome position (GRCh38, 1-based): chr14:75,046,659, G>C on the plus strand (C>G on the coding strand, the complement: MLH3 is on the minus strand). VCF-style: chr14-75046659-G-C. GRCh37 (hg19) VCF-style: chr14-75513362-G-C.
Other names: c.2997C>G, p.Asp999Glu (NM_014381.3); short protein forms D999E.
Identifiers: ClinVar variation 3232515 (VCV003232515.1), dbSNP rs1364893644, ClinGen allele CA390437026.

ClinVar aggregate classification (germline): Uncertain significance (1 of 4 stars; one submission).

Submission:

Ambry Genetics
Classification: Uncertain significance. Last evaluated: 2024-02-29. Review status: criteria provided, single submitter. Criteria: Ambry Variant Classification Scheme 2023. Collection method: clinical testing. Allele origin: germline.
Comment: The p.D999E variant (also known as c.2997C>G), located in coding exon 1 of the MLH3 gene, results from a C to G substitution at nucleotide position 2997. The aspartic acid at codon 999 is replaced by glutamic acid, an amino acid with highly similar properties. This amino acid position is conserved. In addition, this alteration is predicted to be tolerated by in silico analysis. Based on the available evidence, the clinical significance of this alteration remains unclear.